The following is an entry in ClinVar:

ClinVar aggregate classification (germline): Pathogenic. Review status: criteria provided, multiple submitters, no conflicts (2 of 4 stars). 3 submissions from 3 submitters: Pathogenic (3). Last evaluated 2023-11-10.

Conditions:
Warburg micro syndrome 1 (WARBM1). Identifiers: Orphanet 2510, MedGen C1838625, MONDO:0010822, OMIM 600118.

Submissions (3):

Daryl Scott Lab, Baylor College of Medicine
Classification: Pathogenic for Warburg micro syndrome 1. Last evaluated: 2023-11-10. Review status: criteria provided, single submitter. Criteria: ACMG Guidelines, 2015. Collection method: clinical testing. Allele origin: biparental. Affected: yes. Observed: 1 homozygote.

GeneDx
Classification: Pathogenic. Last evaluated: 2023-09-15. Review status: criteria provided, single submitter. Criteria: GeneDx Variant Classification Process June 2021. Collection method: clinical testing. Allele origin: germline. Affected: yes.
Comment: Nonsense variant predicted to result in protein truncation or nonsense mediated decay in a gene for which loss of function is a known mechanism of disease; This variant is associated with the following publications: (PMID: 23420520)

Labcorp Genetics (formerly Invitae), Labcorp
Classification: Pathogenic. Last evaluated: 2022-07-14. Review status: criteria provided, single submitter. Criteria: Invitae Variant Classification Sherloc (09022015). Collection method: clinical testing. Allele origin: germline.
Comment: This sequence change creates a premature translational stop signal (p.Leu220*) in the RAB3GAP1 gene. It is expected to result in an absent or disrupted protein product. Loss-of-function variants in RAB3GAP1 are known to be pathogenic (PMID: 23420520). For these reasons, this variant has been classified as Pathogenic. This premature translational stop signal has been observed in individual(s) with Warburg micro syndrome (PMID: 23420520). This variant is present in population databases (rs757393692, gnomAD 0.02%).

Literature cited by the submitters: PubMed 23420520 (cited by Labcorp Genetics (formerly Invitae), Labcorp).

NM_012233.3(RAB3GAP1):c.659del (p.Pro219_Leu220insTer)

Gene: RAB3GAP1 (RAB3 GTPase activating protein catalytic subunit 1; plus strand). Cytogenetic location: 2q21.3.
Variant type: Deletion.
Coding change: c.659del on transcript NM_012233.3 (MANE Select); coding-DNA position 659, one base deleted (T; older notation c.659delT).
Protein change: p.Pro219_Leu220insTer.
Molecular consequence: nonsense.
Genome position (GRCh38, 1-based): chr2:135,120,829, T deleted; the last of 3 consecutive T bases (chr2:135,120,827-135,120,829); deleting any one gives the same sequence. VCF-style (leftmost placement, unchanged base first): chr2-135120826-CT-C. GRCh37 (hg19) VCF-style: chr2-135878396-CT-C.
Other names: c.659del (NM_012233.2); c.659del, p.Pro219_Leu220insTer (NM_001172435.2).
Identifiers: ClinVar variation 2049610 (VCV002049610.6), dbSNP rs757393692, ClinGen allele CA1884599.